The following is an entry in ClinVar:

ClinVar aggregate classification (germline): Likely benign. Review status: criteria provided, multiple submitters, no conflicts (2 of 4 stars). 3 submissions from 3 submitters: Likely benign (3). Last evaluated 2025-07-08.

Conditions:
Hereditary cancer-predisposing syndrome. Also called: Hereditary neoplastic syndrome; Neoplastic Syndromes, Hereditary; Tumor predisposition; Hereditary Cancer Syndrome. Identifiers: Orphanet 140162, MedGen C0027672, MeSH D009386, MONDO:0015356.
Tuberous sclerosis 1 (TSC1). Identifiers: Orphanet 805, MedGen C1854465, MONDO:0008612, OMIM 191100.
Tuberous sclerosis syndrome (TSC). Also called: Tuberous Sclerosis Complex; Tuberous sclerosis. Identifiers: Orphanet 805, MedGen C0041341, MONDO:0001734.

gnomAD v4.1: 1 of 1,614,172 alleles (0.000062%); highest among the groups gnomAD compares: Non-Finnish European, 0.000085%; no homozygotes.

Submissions (3):

Labcorp Genetics (formerly Invitae), Labcorp
Classification: Likely benign for Tuberous sclerosis 1. Last evaluated: 2025-07-08. Review status: criteria provided, single submitter. Criteria: Invitae Variant Classification Sherloc (09022015). Collection method: clinical testing. Allele origin: germline.

All of Us Research Program, National Institutes of Health
Classification: Likely benign for Tuberous sclerosis syndrome. Last evaluated: 2023-08-15. Review status: criteria provided, single submitter. Criteria: ACMG Guidelines, 2015. Collection method: clinical testing. Allele origin: germline. Inheritance: Autosomal dominant inheritance. Observed: 1 variant allele, 1 heterozygote.
Comment: This study involves interpretation of variants in research participants for the purpose of population health screening. Participant phenotype was not available at the time of variant classification. Additional details can be found in publication PMID: 35346344, PMCID: PMC8962531

Ambry Genetics
Classification: Likely benign for Hereditary cancer-predisposing syndrome. Last evaluated: 2022-07-01. Review status: criteria provided, single submitter. Criteria: Ambry Variant Classification Scheme 2023. Collection method: clinical testing. Allele origin: germline.

NM_000368.5(TSC1):c.1879C>T (p.Leu627=)

Gene: TSC1 (TSC complex subunit 1; minus strand). Cytogenetic location: 9q34.13.
Variant type: single nucleotide variant.
Coding change: c.1879C>T on transcript NM_000368.5 (MANE Select); coding-DNA position 1879, C replaced by T.
Protein change: p.Leu627=; no amino-acid change (leucine 627 retained).
Molecular consequence: synonymous variant.
Genome position (GRCh38, 1-based): chr9:132,905,699, G>A on the plus strand (C>T on the coding strand, the complement: TSC1 is on the minus strand). VCF-style: chr9-132905699-G-A. GRCh37 (hg19) VCF-style: chr9-135781086-G-A.
Other names: c.1876C>T, p.Leu626= (NM_001162426.2); c.1726C>T, p.Leu576= (NM_001162427.2); c.1516C>T, p.Leu506= (NM_001362177.2).
Identifiers: ClinVar variation 466046 (VCV000466046.14), dbSNP rs1171110012, ClinGen allele CA467813088.
Genomic context (GRCh38, chr9:132,905,699, plus strand): 5'-CCATTGGGGAGGTAGAGGGCACACCATCTTCCTCTGTGTTTCCTTTTGCTTTCTTTAACA[G>A]CTCCTCAGTCTTCCTGATGACAAAATGATGGGCTGTCTTTGGCAATGCCACCTCAAAAAG-3'
Protein context (NP_000359.1, residues 617-637): HHFVIRKTEE[Leu627=]LKKAKGNTEE